The following is an entry in ClinVar:

ClinVar aggregate classification (germline): Benign. Review status: criteria provided, multiple submitters, no conflicts (2 of 4 stars). 6 submissions from 6 submitters: Benign (6). Last evaluated 2026-02-03.

Conditions:
Brain small vessel disease 2A, autosomal dominant. Also called: Porencephaly 2. Identifiers: Orphanet 2940, Orphanet 99810, MedGen C3280970, MONDO:0013773, OMIM 614483.

Allele frequency attached by ClinVar (database versions not stated): gnomAD exomes 0.08718 and 0.10554; ESP Exome Variant Server 0.08723; gnomAD 0.09357 and 0.09437; 1000 Genomes Project 30x 0.09916; 1000 Genomes Project 0.10084; ExAC 0.10098; TOPMed 0.10609.
gnomAD v4.1: 142,350 of 1,613,750 alleles (8.8%); highest among the groups gnomAD compares: Admixed American, 20%; 7,318 homozygotes.

Submissions (6):

Labcorp Genetics (formerly Invitae), Labcorp
Classification: Benign. Last evaluated: 2026-02-03. Review status: criteria provided, single submitter. Criteria: Invitae Variant Classification Sherloc (09022015). Collection method: clinical testing. Allele origin: germline.

Blueprint Genetics
Classification: Benign. Last evaluated: 2024-11-27. Review status: criteria provided, single submitter. Criteria: ACMG Guidelines, 2015. Collection method: clinical testing. Allele origin: germline.

Mayo Clinic Laboratories, Mayo Clinic
Classification: Benign. Last evaluated: 2022-04-26. Review status: criteria provided, single submitter. Criteria: ACMG Guidelines, 2015. Collection method: clinical testing. Allele origin: germline. Observed: 60 variant alleles.

GeneDx
Classification: Benign. Last evaluated: 2018-04-02. Review status: criteria provided, single submitter. Criteria: GeneDx Variant Classification (06012015). Collection method: clinical testing. Allele origin: germline. Affected: yes.
Comment: This variant is considered likely benign or benign based on one or more of the following criteria: it is a conservative change, it occurs at a poorly conserved position in the protein, it is predicted to be benign by multiple in silico algorithms, and/or has population frequency not consistent with disease.

Illumina Laboratory Services, Illumina
Classification: Benign for Brain small vessel disease 2A, autosomal dominant. Last evaluated: 2018-01-13. Review status: criteria provided, single submitter. Criteria: ICSL Variant Classification Criteria 13 December 2019. Collection method: clinical testing. Allele origin: germline.
Comment: This variant was observed in the ICSL laboratory as part of a predisposition screen in an ostensibly healthy population. It had not been previously curated by ICSL or reported in the Human Gene Mutation Database (HGMD: prior to June 1st, 2018), and was therefore a candidate for classification through an automated scoring system. Utilizing variant allele frequency, disease prevalence and penetrance estimates, and inheritance mode, an automated score was calculated to assess if this variant is too frequent to cause the disease. Based on the score and internal cut-off values, a variant classified as benign is not then subjected to further curation. The score for this variant resulted in a classification of benign for this disease.

Breakthrough Genomics
Classification: Benign. Review status: criteria provided, single submitter. Criteria: ACMG Guidelines, 2015. Collection method: not provided. Allele origin: germline. Inheritance: Autosomal dominant inheritance. Affected: yes.

NM_001846.4(COL4A2):c.4617G>A (p.Ala1539=)

Genes: COL4A2 (collagen type IV alpha 2 chain; plus strand), COL4A2-AS1 (COL4A2 antisense RNA 1; minus strand). Cytogenetic location: 13q34.
Variant type: single nucleotide variant.
Coding change: c.4617G>A on transcript NM_001846.4 (MANE Select); coding-DNA position 4617, G replaced by A.
Protein change: p.Ala1539=; no amino-acid change (alanine 1539 retained).
Molecular consequence: synonymous variant.
Genome position (GRCh38, 1-based): chr13:110,507,957, G>A. VCF-style: chr13-110507957-G-A. GRCh37 (hg19) VCF-style: chr13-111160304-G-A.
Other names: p.Ala1539=.
Identifiers: ClinVar variation 311183 (VCV000311183.17), dbSNP rs391859, ClinGen allele CA7050616.